The following is an entry in ClinVar:

ClinVar aggregate classification (germline): Pathogenic/Likely pathogenic. Review status: criteria provided, multiple submitters, no conflicts (2 of 4 stars). 3 submissions from 3 submitters: Pathogenic (1); Likely pathogenic (2). Last evaluated 2024-08-27.

Conditions:
Cardiovascular phenotype. Identifiers: MedGen CN230736.
TTN-related disorder. Also called: TTN-related disorders; TTN-related condition; TTN-related disease.
Dilated cardiomyopathy 1G (CMD1G). Identifiers: Orphanet 154, MedGen C1858763, MONDO:0011400, OMIM 604145.
Autosomal recessive limb-girdle muscular dystrophy type 2J (LGMDR10). Also called: MUSCULAR DYSTROPHY, LIMB-GIRDLE, AUTOSOMAL RECESSIVE 10; Limb-girdle muscular dystrophy, type 2J. Identifiers: Orphanet 140922, MedGen C1837342, MONDO:0012127, OMIM 608807.

Submissions (3):

Ambry Genetics
Classification: Likely pathogenic for Cardiovascular phenotype. Last evaluated: 2024-08-27. Review status: criteria provided, single submitter. Criteria: Ambry Variant Classification Scheme 2023. Collection method: clinical testing. Allele origin: germline.
Comment: The p.Q10952* variant (also known as c.32854C>T), located in coding exon 130 of the TTN gene, results from a C to T substitution at nucleotide position 32854. This changes the amino acid from a glutamine to a stop codon within coding exon 130. This exon is located in the A-band region of the N2-B isoform of the titin protein and is constitutively expressed in TTN transcripts (percent spliced in or PSI 100%). This variant has been reported in association with dilated cardiomyopathy (DCM) (Augusto JB et al. Eur Heart J Cardiovasc Imaging, 2020 Mar;21:326-336). This alteration is expected to result in loss of function by premature protein truncation or nonsense-mediated mRNA decay. While truncating variants in TTN are present in 1-3% of the general population, truncating variants in the A-band are the most common cause of dilated cardiomyopathy (DCM) (Herman DS et al. N. Engl. J. Med., 2012 Feb;366:619-28; Roberts AM et al. Sci Transl Med, 2015 Jan;7:270ra6). TTN truncating variants encoded in constitutive exons (PSI >90%) have been found to be significantly associated with DCM regardless of their position in titin (Schafer S et al. Nat. Genet., 2017 01;49:46-53). This variant is considered to be rare based on population cohorts in the Genome Aggregation Database (gnomAD). Based on the majority of available evidence to date, this variant is likely to be pathogenic.

Blueprint Genetics
Classification: Pathogenic for TTN-related disorders. Last evaluated: 2024-01-18. Review status: criteria provided, single submitter. Criteria: ACMG Guidelines, 2015. Collection method: clinical testing. Allele origin: germline. Affected: yes. Observed: 1 variant allele.

Labcorp Genetics (formerly Invitae), Labcorp
Classification: Likely pathogenic for Dilated cardiomyopathy 1G; Autosomal recessive limb-girdle muscular dystrophy type 2J. Last evaluated: 2022-06-07. Review status: criteria provided, single submitter. Criteria: Invitae Variant Classification Sherloc (09022015). Collection method: clinical testing. Allele origin: germline.
Comment: This sequence change creates a premature translational stop signal (p.Gln20017*) in the TTN gene. While this is not anticipated to result in nonsense mediated decay, it is expected to create a truncated TTN protein. This variant is not present in population databases (gnomAD no frequency). This premature translational stop signal has been observed in individual(s) with dilated cardiomyopathy (PMID: 31317183). This variant is also known as c.32854C>T (p.Gln10952*). This variant is located in the A band of TTN (PMID: 25589632). Truncating variants in this region are significantly overrepresented in patients affected with dilated cardiomyopathy (PMID: 25589632). Truncating variants in this region have also been reported in individuals affected with autosomal recessive centronuclear myopathy (PMID: 23975875). In summary, the currently available evidence indicates that the variant is pathogenic, but additional data are needed to prove that conclusively. Therefore, this variant has been classified as Likely Pathogenic.

Literature cited by the submitters: PubMed 31317183 (cited by Ambry Genetics and Labcorp Genetics (formerly Invitae), Labcorp); PubMed 25589632 (cited by Labcorp Genetics (formerly Invitae), Labcorp); PubMed 23975875 (cited by Labcorp Genetics (formerly Invitae), Labcorp).

NM_001267550.2(TTN):c.60049C>T (p.Gln20017Ter)

Genes: TTN (titin; minus strand), TTN-AS1 (TTN antisense RNA 1; plus strand), LOC126806424 (CDK7 strongly-dependent group 2 enhancer GRCh37_chr2:179456337-179457536; plus strand). Cytogenetic location: 2q31.2.
Variant type: single nucleotide variant.
Coding change: c.60049C>T on transcript NM_001267550.2 (MANE Select); coding-DNA position 60049, C replaced by T.
Protein change: p.Gln20017Ter; replaces glutamine 20017 with a stop codon.
Molecular consequence: nonsense.
Genome position (GRCh38, 1-based): chr2:178,591,770, G>A on the plus strand (C>T on the coding strand, the complement: TTN is on the minus strand). VCF-style: chr2-178591770-G-A. GRCh37 (hg19) VCF-style: chr2-179456497-G-A.
Other names: c.55126C>T, p.Gln18376Ter (NM_001256850.1); c.32854C>T, p.Gln10952Ter (NM_003319.4); c.52345C>T, p.Gln17449Ter (NM_133378.4); c.33229C>T, p.Gln11077Ter (NM_133432.3); c.33430C>T, p.Gln11144Ter (NM_133437.4); short protein forms Q10952*, Q11077*, Q11144*, Q17449*, Q18376*, Q20017*.
Identifiers: ClinVar variation 2418891 (VCV002418891.11), dbSNP rs2469494483, ClinGen allele CA349487578.